The following is an entry in ClinVar:

ClinVar aggregate classification (germline): Uncertain significance. Review status: criteria provided, multiple submitters, no conflicts (2 of 4 stars). 2 submissions from 2 submitters: Uncertain significance (2). Last evaluated 2026-08-01.

Conditions:
Kufor-Rakeb syndrome (KRS). Also called: PARKINSON DISEASE 9, AUTOSOMAL RECESSIVE, JUVENILE-ONSET. Identifiers: Orphanet 306674, Orphanet 314632, MedGen C1847640, MONDO:0011706, OMIM 606693.
Autosomal recessive spastic paraplegia type 78. Identifiers: Orphanet 513436, MedGen C5567893, MONDO:0014975, OMIM 617225.

Allele frequency attached by ClinVar (database versions not stated): ExAC 0.00001; gnomAD exomes 0.00001; TOPMed 0.00001.
gnomAD v4.1: 8 of 1,614,066 alleles (0.0005%); highest among the groups gnomAD compares: Non-Finnish European, 0.00068%; no homozygotes.

Submissions (2):

CeGaT Center for Human Genetics Tuebingen
Classification: Uncertain significance. Last evaluated: 2026-08-01. Review status: criteria provided, single submitter. Criteria: CeGaT Center For Human Genetics Tuebingen Variant Classification Criteria Version 2. Collection method: clinical testing. Allele origin: germline. Affected: yes. Observed: 1 variant allele.
Comment: ATP13A2: PM2, PM3, BP4

Labcorp Genetics (formerly Invitae), Labcorp
Classification: Uncertain significance for Kufor-Rakeb syndrome; Autosomal recessive spastic paraplegia type 78. Last evaluated: 2021-09-29. Review status: criteria provided, single submitter. Criteria: Invitae Variant Classification Sherloc (09022015). Collection method: clinical testing. Allele origin: germline.
Comment: In summary, the available evidence is currently insufficient to determine the role of this variant in disease. Therefore, it has been classified as a Variant of Uncertain Significance. Advanced modeling of protein sequence and biophysical properties (such as structural, functional, and spatial information, amino acid conservation, physicochemical variation, residue mobility, and thermodynamic stability) performed at Invitae indicates that this missense variant is not expected to disrupt ATP13A2 protein function. This variant has not been reported in the literature in individuals affected with ATP13A2-related conditions. This variant is present in population databases (rs747340052, ExAC 0.002%). This sequence change replaces isoleucine with valine at codon 112 of the ATP13A2 protein (p.Ile112Val). The isoleucine residue is weakly conserved and there is a small physicochemical difference between isoleucine and valine.

NM_022089.4(ATP13A2):c.334A>G (p.Ile112Val)

Gene: ATP13A2 (ATPase cation transporting 13A2; minus strand). Cytogenetic location: 1p36.13.
Variant type: single nucleotide variant.
Coding change: c.334A>G on transcript NM_022089.4 (MANE Select); coding-DNA position 334, A replaced by G.
Protein change: p.Ile112Val; replaces isoleucine 112 with valine.
Molecular consequence: missense variant.
Genome position (GRCh38, 1-based): chr1:17,005,027, T>C on the plus strand (A>G on the coding strand, the complement: ATP13A2 is on the minus strand). VCF-style: chr1-17005027-T-C. GRCh37 (hg19) VCF-style: chr1-17331522-T-C.
Other names: c.334A>G, p.Ile112Val (NM_001141973.3, NM_001141974.3); short protein forms I112V.
Identifiers: ClinVar variation 1397162 (VCV001397162.7), dbSNP rs747340052, ClinGen allele CA637688.